The following is an entry in ClinVar:

NM_001034853.2(RPGR):c.1859A>G (p.Lys620Arg)

Gene: RPGR (retinitis pigmentosa GTPase regulator; minus strand). Cytogenetic location: Xp11.4.
Variant type: single nucleotide variant.
Coding change: c.1859A>G on transcript NM_001034853.2 (MANE Select); coding-DNA position 1859, A replaced by G.
Protein change: p.Lys620Arg; replaces lysine 620 with arginine.
Molecular consequence: missense variant. On other transcripts: non-coding transcript variant (2), intron variant (5).
Genome position (GRCh38, 1-based): chrX:38,287,140, T>C on the plus strand (A>G on the coding strand, the complement: RPGR is on the minus strand). VCF-style: chrX-38287140-T-C. GRCh37 (hg19) VCF-style: chrX-38146393-T-C.
Other names: c.1859A>G, p.Lys620Arg (NM_000328.3); c.1856A>G, p.Lys619Arg (NM_001367245.1); c.1673A>G, p.Lys558Arg (NM_001367246.1); c.1569+3819A>G (NM_001367249.1, NM_001367250.1); c.1386+3819A>G (NM_001367251.1); c.1572+3819A>G (NM_001367247.1); c.1602+3819A>G (NM_001367248.1); short protein forms K619R, K620R, K558R.
Identifiers: ClinVar variation 2828130 (VCV002828130.3), dbSNP rs2519794957, ClinGen allele CA412732561.
Genomic context (GRCh38, chrX:38,287,140, plus strand): 5'-TTGCCTTCACTCACCTCTGCTTTGTCTGTAAGGTCATCTGATAGGATCTCTGTTTTCTCC[T>C]TTCTTCCTCCATGCACCTTCACATTTTCCTCATTTGCTTCTACCTCTTGCTCCTCTATTC-3'
Protein context (NP_001030025.1, residues 610-630): EENVKVHGGR[Lys620Arg]EKTEILSDDL

ClinVar aggregate classification (germline): Uncertain significance (1 of 4 stars; one submission).

Conditions:
Primary ciliary dyskinesia. Also called: Ciliary dyskinesia. Identifiers: Orphanet 244, MedGen C0008780, MONDO:0016575, HP:0012265.

Submission:

Labcorp Genetics (formerly Invitae), Labcorp
Classification: Uncertain significance for Primary ciliary dyskinesia. Last evaluated: 2023-01-13. Review status: criteria provided, single submitter. Criteria: Invitae Variant Classification Sherloc (09022015). Collection method: clinical testing. Allele origin: germline.
Comment: This sequence change replaces lysine, which is basic and polar, with arginine, which is basic and polar, at codon 620 of the RPGR protein (p.Lys620Arg). This variant is not present in population databases (gnomAD no frequency). This variant has not been reported in the literature in individuals affected with RPGR-related conditions. Advanced modeling of protein sequence and biophysical properties (such as structural, functional, and spatial information, amino acid conservation, physicochemical variation, residue mobility, and thermodynamic stability) performed at Invitae indicates that this missense variant is not expected to disrupt RPGR protein function. In summary, the available evidence is currently insufficient to determine the role of this variant in disease. Therefore, it has been classified as a Variant of Uncertain Significance.